The following is an entry in ClinVar:

ClinVar aggregate classification (germline): Uncertain significance (1 of 4 stars; one submission).

Conditions:
Pheochromocytoma. Also called: MAX-Related Hereditary Paraganglioma-Pheochromocytoma Syndrome. Identifiers: Orphanet 29072, MedGen C0031511, MONDO:0008233, OMIM 171300, HP:0002666.
Carney-Stratakis syndrome. Also called: PARAGANGLIOMA AND GASTROINTESTINAL STROMAL TUMOR. Identifiers: Orphanet 97286, MedGen C1847319, MONDO:0011740, OMIM 606864.
Paragangliomas with sensorineural hearing loss. Identifiers: MedGen C1868633.
Cowden syndrome 3 (CWS3). Identifiers: Orphanet 201, MedGen CN166604, MONDO:0014045.

Submission:

Labcorp Genetics (formerly Invitae), Labcorp
Classification: Uncertain significance for Carney-Stratakis syndrome; Paragangliomas with sensorineural hearing loss; Pheochromocytoma; Cowden syndrome 3. Last evaluated: 2025-07-21. Review status: criteria provided, single submitter. Criteria: Invitae Variant Classification Sherloc (09022015). Collection method: clinical testing. Allele origin: germline.
Comment: This sequence change replaces leucine, which is neutral and non-polar, with methionine, which is neutral and non-polar, at codon 77 of the SDHD protein (p.Leu77Met). This variant is not present in population databases (gnomAD no frequency). This variant has not been reported in the literature in individuals affected with SDHD-related conditions. ClinVar contains an entry for this variant (Variation ID: 3757209). Invitae Evidence Modeling of protein sequence and biophysical properties (such as structural, functional, and spatial information, amino acid conservation, physicochemical variation, residue mobility, and thermodynamic stability) indicates that this missense variant is expected to disrupt SDHD protein function with a positive predictive value of 95%. In summary, the available evidence is currently insufficient to determine the role of this variant in disease. Therefore, it has been classified as a Variant of Uncertain Significance.

NM_003002.4(SDHD):c.229C>A (p.Leu77Met)

Gene: SDHD (succinate dehydrogenase complex subunit D; plus strand). Cytogenetic location: 11q23.1.
Variant type: single nucleotide variant.
Coding change: c.229C>A on transcript NM_003002.4 (MANE Select); coding-DNA position 229, C replaced by A.
Protein change: p.Leu77Met; replaces leucine 77 with methionine.
Molecular consequence: missense variant. On other transcripts: non-coding transcript variant (1), intron variant (1).
Genome position (GRCh38, 1-based): chr11:112,088,926, C>A. VCF-style: chr11-112088926-C-A. GRCh37 (hg19) VCF-style: chr11-111959650-C-A.
Other names: c.112C>A, p.Leu38Met (NM_001276504.2); c.229C>A, p.Leu77Met (NM_001276506.2); c.169+953C>A (NM_001276503.2); short protein forms L38M, L77M.
Identifiers: ClinVar variation 3757209 (VCV003757209.2).